The following is an entry in ClinVar:

ClinVar aggregate classification (germline): Conflicting classifications of pathogenicity. Review status: criteria provided, conflicting classifications (1 of 4 stars). 5 submissions from 5 submitters: Pathogenic (1); Likely pathogenic (3); Uncertain significance (1). Last evaluated 2025-12-29.

Conditions:
DNAI1-related disorder. Also called: DNAI1-related condition.
Primary ciliary dyskinesia. Also called: Ciliary dyskinesia. Identifiers: Orphanet 244, MedGen C0008780, MONDO:0016575, HP:0012265.
Kartagener syndrome (CILD1). Also called: SIEWERT SYNDROME; POLYNESIAN BRONCHIECTASIS; CILIARY DYSKINESIA, PRIMARY, 1; CILIARY DYSKINESIA, PRIMARY, 1, WITH OR WITHOUT SITUS INVERSUS; IMMOTILE CILIA SYNDROME; Dextrocardia bronchiectasis and sinusitis. Identifiers: Orphanet 244, MedGen C4551906, MONDO:0009484, OMIM 244400.

Allele frequency attached by ClinVar (database versions not stated): gnomAD exomes below 0.00001; TOPMed 0.00001.
gnomAD v4.1: 2 of 1,614,204 alleles (0.00012%); highest among the groups gnomAD compares: Non-Finnish European, 0.00017%; no homozygotes.

Submissions (5):

Natera, Inc.
Classification: Likely pathogenic for Primary ciliary dyskinesia. Last evaluated: 2025-12-29. Review status: criteria provided, single submitter. Criteria: Natera Variant Classification Schema (03/2026). Collection method: clinical testing. Allele origin: germline.
Comment: The c.1676G>A variant in DNAI1 is a missense variant predicted to cause substitution of cysteine to tyrosine at amino acid 559. This variant is rare in the general population with a frequency below the threshold expected for the associated phenotype(s). This variant has been observed in one or more individuals affected with the associated recessive disease, as either homozygous or compound heterozygous with a second variant (PMID: 33715250). Additionally, this variant has been observed to segregate in affected family members (PMID: 33715250). Computational prediction algorithms indicate this variant is likely to affect gene or protein function. Given the available evidence, this variant is classified as Likely Pathogenic.

GeneDx
Classification: Uncertain significance. Last evaluated: 2024-07-18. Review status: criteria provided, single submitter. Criteria: GeneDx Variant Classification Process June 2021. Collection method: clinical testing. Allele origin: germline. Affected: yes.
Comment: Observed with a second DNAI1 variant in a family with primary ciliary dyskinesia, but it is not known whether the variants occurred on the same (in cis) or on different (in trans) chromosomes and additional clinical information was not included (PMID: 33715250); Not observed at significant frequency in large population cohorts (gnomAD); In silico analysis supports that this missense variant has a deleterious effect on protein structure/function; This variant is associated with the following publications: (PMID: 33715250)

Fulgent Genetics
Classification: Likely pathogenic for Kartagener syndrome. Last evaluated: 2024-04-13. Review status: criteria provided, single submitter. Criteria: ACMG Guidelines, 2015. Collection method: clinical testing. Allele origin: germline.

Labcorp Genetics (formerly Invitae), Labcorp
Classification: Pathogenic for Primary ciliary dyskinesia. Last evaluated: 2024-03-13. Review status: criteria provided, single submitter. Criteria: Invitae Variant Classification Sherloc (09022015). Collection method: clinical testing. Allele origin: germline.
Comment: This sequence change replaces cysteine, which is neutral and slightly polar, with tyrosine, which is neutral and polar, at codon 559 of the DNAI1 protein (p.Cys559Tyr). This variant is not present in population databases (gnomAD no frequency). This missense change has been observed in individual(s) with clinical features of primary ciliary dyskinesia (PMID: 33715250; Invitae). ClinVar contains an entry for this variant (Variation ID: 1007474). Advanced modeling of protein sequence and biophysical properties (such as structural, functional, and spatial information, amino acid conservation, physicochemical variation, residue mobility, and thermodynamic stability) performed at Invitae indicates that this missense variant is expected to disrupt DNAI1 protein function with a positive predictive value of 80%. For these reasons, this variant has been classified as Pathogenic.

PreventionGenetics, part of Exact Sciences
Classification: Likely pathogenic for DNAI1-related condition. Last evaluated: 2023-03-23. Review status: criteria provided, single submitter. Criteria: ACMG Guidelines, 2015. Collection method: clinical testing. Allele origin: germline.
Comment: The DNAI1 c.1676G>A variant is predicted to result in the amino acid substitution p.Cys559Tyr. This variant has been reported in the compound heterozygous state with a second DNAI1 pathogenic variant in individuals with primary ciliary dyskinesia (Yiallouros et al 2021. PubMed ID: 33715250). This variant has not been reported in a large population database, indicating this variant is rare. This variant is interpreted as likely pathogenic.

Literature cited by the submitters: PubMed 33715250 (cited by Natera, Inc. and Labcorp Genetics (formerly Invitae), Labcorp).

NM_012144.4(DNAI1):c.1676G>A (p.Cys559Tyr)

Gene: DNAI1 (dynein axonemal intermediate chain 1; plus strand). Cytogenetic location: 9p13.3.
Variant type: single nucleotide variant.
Coding change: c.1676G>A on transcript NM_012144.4 (MANE Select); coding-DNA position 1676, G replaced by A.
Protein change: p.Cys559Tyr; replaces cysteine 559 with tyrosine.
Molecular consequence: missense variant.
Genome position (GRCh38, 1-based): chr9:34,514,500, G>A. VCF-style: chr9-34514500-G-A. GRCh37 (hg19) VCF-style: chr9-34514498-G-A.
Other names: c.1676G>A (NM_012144.3); c.1688G>A, p.Cys563Tyr (NM_001281428.2); short protein forms C559Y, C563Y.
Identifiers: ClinVar variation 1007474 (VCV001007474.17), dbSNP rs1335386227, ClinGen allele CA373263708.